The following is an entry in ClinVar:

NM_004859.4(CLTC):c.4605+3T>A

Genes: CLTC (clathrin heavy chain; plus strand), LOC125177523 (Sharpr-MPRA regulatory region 12460; plus strand). Cytogenetic location: 17q23.1.
Variant type: single nucleotide variant.
Coding change: c.4605+3T>A on transcript NM_004859.4 (MANE Select); 3 bases into the intron after coding-DNA position 4605, T replaced by A.
Molecular consequence: intron variant.
Genome position (GRCh38, 1-based): chr17:59,685,229, T>A. VCF-style: chr17-59685229-T-A. GRCh37 (hg19) VCF-style: chr17-57762590-T-A.
Other names: c.4617+3T>A (NM_001288653.2).
Identifiers: ClinVar variation 1804927 (VCV001804927.6), dbSNP rs2509157892, ClinGen allele CA1139771220.

ClinVar aggregate classification (germline): Uncertain significance. Review status: criteria provided, multiple submitters, no conflicts (2 of 4 stars). 2 submissions from 2 submitters: Uncertain significance (2). Last evaluated 2024-06-18.

Conditions:
Intellectual developmental disorder, autosomal dominant 56. Also called: MENTAL RETARDATION, AUTOSOMAL DOMINANT 56; Intellectual disability, autosomal dominant 56. Identifiers: MedGen C4693389, MONDO:0030922, OMIM 617854.

gnomAD v4.1: 1 of 1,574,244 alleles (0.000064%); no homozygotes.

Submissions (2):

Labcorp Genetics (formerly Invitae), Labcorp
Classification: Uncertain significance. Last evaluated: 2024-06-18. Review status: criteria provided, single submitter. Criteria: Invitae Variant Classification Sherloc (09022015). Collection method: clinical testing. Allele origin: germline.
Comment: This sequence change falls in intron 29 of the CLTC gene. It does not directly change the encoded amino acid sequence of the CLTC protein. It affects a nucleotide within the consensus splice site. This variant is not present in population databases (gnomAD no frequency). This variant has not been reported in the literature in individuals affected with CLTC-related conditions. ClinVar contains an entry for this variant (Variation ID: 1804927). Variants that disrupt the consensus splice site are a relatively common cause of aberrant splicing (PMID: 17576681, 9536098). Algorithms developed to predict the effect of sequence changes on RNA splicing suggest that this variant is not likely to affect RNA splicing. In summary, the available evidence is currently insufficient to determine the role of this variant in disease. Therefore, it has been classified as a Variant of Uncertain Significance.

Victorian Clinical Genetics Services, Murdoch Childrens Research Institute
Classification: Uncertain significance for Intellectual developmental disorder, autosomal dominant 56. Last evaluated: 2021-05-06. Review status: criteria provided, single submitter. Criteria: ACMG Guidelines, 2015. Collection method: clinical testing. Allele origin: germline. Inheritance: Autosomal dominant inheritance.
Comment: Based on the classification scheme VCGS_Germline_v1.3.4, this variant is classified as VUS-3C. Following criteria are met: 0102 - Loss of function is a known mechanism of disease in this gene and is associated with intellectual disability, autosomal dominant 56 (MIM#617854). (I) 0107 - This gene is associated with autosomal dominant disease. (I) 0212 - Non-canonical splice site variant without proven consequence on splicing (no functional evidence available). (SP) 0251 - This variant is heterozygous. (I) 0301 - Variant is absent from gnomAD (both v2 and v3). (SP) 0506 - Abnormal splicing is not predicted and nucleotide is poorly conserved. (SB) 0705 - No comparable non-canonical splice site variants have previous evidence for pathogenicity. (I) 0807 - This variant has no previous evidence of pathogenicity. (I) 0905 - No published segregation evidence has been identified for this variant. (I) 1007 - No published functional evidence has been identified for this variant. (I) 1208 - Inheritance information for this variant is not currently available in this individual. (I) Legend: (SP) - Supporting pathogenic, (I) - Information, (SB) - Supporting benign

Literature cited by the submitters: PubMed 17576681 (cited by Labcorp Genetics (formerly Invitae), Labcorp); PubMed 9536098 (cited by Labcorp Genetics (formerly Invitae), Labcorp).